The following is an entry in ClinVar:

NM_001127671.2(LIFR):c.2948C>G (p.Pro983Arg)

Gene: LIFR (LIF receptor subunit alpha; minus strand). Cytogenetic location: 5p13.1.
Variant type: single nucleotide variant.
Coding change: c.2948C>G on transcript NM_001127671.2 (MANE Select); coding-DNA position 2948, C replaced by G.
Protein change: p.Pro983Arg; replaces proline 983 with arginine.
Molecular consequence: missense variant.
Genome position (GRCh38, 1-based): chr5:38,481,941, G>C on the plus strand (C>G on the coding strand, the complement: LIFR is on the minus strand). VCF-style: chr5-38481941-G-C. GRCh37 (hg19) VCF-style: chr5-38482043-G-C.
Other names: c.2948C>G, p.Pro983Arg (NM_001364297.2, NM_002310.6); c.2915C>G, p.Pro972Arg (NM_001364298.2); short protein forms P972R, P983R.
Identifiers: ClinVar variation 1191489 (VCV001191489.7), dbSNP rs146856673, ClinGen allele CA3242534.
Genomic context (GRCh38, chr5:38,481,941, plus strand): 5'-GGCTTATAGCCTGCCCCTCCTACAGGGTCATTTTCTTGTTCTTCTTCTGGTTTTGCTTGA[G>C]GCTGATACATCGACTGAACATCAATGTAAATAACCTGTGCAGTCCCTCCAGCTTCATCTG-3'
Protein context (NP_001121143.1, residues 973-993): IYIDVQSMYQ[Pro983Arg]QAKPEEEQEN

ClinVar aggregate classification (germline): Uncertain significance. Review status: criteria provided, multiple submitters, no conflicts (2 of 4 stars). 4 submissions from 4 submitters: Uncertain significance (3). 1 of the submissions does not count toward it. Last evaluated 2022-11-02.

Conditions:
Stuve-Wiedemann syndrome (STWS). Also called: Stüve-Wiedemann syndrome. Identifiers: Orphanet 3206, MedGen C0796176, MONDO:0031280.
Stüve-Wiedemann syndrome 1. Also called: STUVE-WIEDEMANN/SCHWARTZ-JAMPEL TYPE 2 SYNDROME. Identifiers: Orphanet 3206, MedGen C5676888, MONDO:0800043, OMIM 601559.

Allele frequency attached by ClinVar (database versions not stated): 1000 Genomes Project 30x 0.00016; 1000 Genomes Project 0.00020; TOPMed 0.00033; ExAC 0.00040; gnomAD exomes 0.00041 and 0.00066; gnomAD 0.00042 and 0.00044; ESP Exome Variant Server 0.00046.
gnomAD v4.1: 1,023 of 1,614,106 alleles (0.063%); highest among the groups gnomAD compares: Non-Finnish European, 0.076%; 1 homozygote.

Submissions (4):

GeneDx
Classification: Uncertain significance. Last evaluated: 2022-11-02. Review status: criteria provided, single submitter. Criteria: GeneDx Variant Classification Process June 2021. Collection method: clinical testing. Allele origin: germline. Affected: yes.
Comment: In silico analysis supports that this missense variant has a deleterious effect on protein structure/function; Has not been previously published as pathogenic or benign to our knowledge

Labcorp Genetics (formerly Invitae), Labcorp
Classification: Uncertain significance. Last evaluated: 2022-09-19. Review status: criteria provided, single submitter. Criteria: Invitae Variant Classification Sherloc (09022015). Collection method: clinical testing. Allele origin: germline.
Comment: This sequence change replaces proline, which is neutral and non-polar, with arginine, which is basic and polar, at codon 983 of the LIFR protein (p.Pro983Arg). This variant is present in population databases (rs146856673, gnomAD 0.1%), and has an allele count higher than expected for a pathogenic variant. This variant has not been reported in the literature in individuals affected with LIFR-related conditions. ClinVar contains an entry for this variant (Variation ID: 1191489). Algorithms developed to predict the effect of missense changes on protein structure and function are either unavailable or do not agree on the potential impact of this missense change (SIFT: "Tolerated"; PolyPhen-2: "Probably Damaging"; Align-GVGD: "Class C0"). In summary, the available evidence is currently insufficient to determine the role of this variant in disease. Therefore, it has been classified as a Variant of Uncertain Significance.

Fulgent Genetics
Classification: Uncertain significance for Stüve-Wiedemann syndrome 1. Last evaluated: 2021-09-16. Review status: criteria provided, single submitter. Criteria: ACMG Guidelines, 2015. Collection method: clinical testing. Allele origin: unknown.

Natera, Inc.
Classification: Uncertain significance for Stuve-Wiedemann syndrome. Last evaluated: 2020-01-17. Review status: no assertion criteria provided. Collection method: clinical testing. Allele origin: germline. Not counted in ClinVar's aggregate classification.